The following is an entry in ClinVar:

ClinVar aggregate classification (germline): Benign/Likely benign. Review status: criteria provided, multiple submitters, no conflicts (2 of 4 stars). 3 submissions from 3 submitters: Benign (1); Likely benign (1). 1 of the submissions does not count toward it. Last evaluated 2026-08-01.

Conditions:
PLXNA1-related disorder. Also called: PLXNA1-related condition.

Allele frequency attached by ClinVar (database versions not stated): ExAC 0.00010; gnomAD exomes 0.00013 and 0.00058; TOPMed 0.00116; gnomAD 0.00125 and 0.00129.
gnomAD v4.1: 375 of 1,612,758 alleles (0.023%); highest among the groups gnomAD compares: Admixed American, 0.6%; 13 homozygotes.

Submissions (3):

CeGaT Center for Human Genetics Tuebingen
Classification: Likely benign. Last evaluated: 2026-08-01. Review status: criteria provided, single submitter. Criteria: CeGaT Center For Human Genetics Tuebingen Variant Classification Criteria Version 2. Collection method: clinical testing. Allele origin: germline. Affected: yes. Observed: 4 variant alleles.
Comment: PLXNA1: BS2

Labcorp Genetics (formerly Invitae), Labcorp
Classification: Benign. Last evaluated: 2025-07-30. Review status: criteria provided, single submitter. Criteria: Invitae Variant Classification Sherloc (09022015). Collection method: clinical testing. Allele origin: germline.

PreventionGenetics, part of Exact Sciences
Classification: Likely benign for PLXNA1-related condition. Last evaluated: 2021-08-16. Review status: no assertion criteria provided. Collection method: clinical testing. Allele origin: germline. Not counted in ClinVar's aggregate classification.
Comment: This variant is classified as likely benign based on ACMG/AMP sequence variant interpretation guidelines (Richards et al. 2015 PMID: 25741868, with internal and published modifications).

NM_032242.4(PLXNA1):c.3293A>G (p.Asn1098Ser)

Gene: PLXNA1 (plexin A1; plus strand). Cytogenetic location: 3q21.3.
Variant type: single nucleotide variant.
Coding change: c.3293A>G on transcript NM_032242.4 (MANE Select); coding-DNA position 3293, A replaced by G.
Protein change: p.Asn1098Ser; replaces asparagine 1098 with serine.
Molecular consequence: missense variant.
Genome position (GRCh38, 1-based): chr3:127,017,441, A>G. VCF-style: chr3-127017441-A-G. GRCh37 (hg19) VCF-style: chr3-126736284-A-G.
Other names: c.3293A>G (NM_032242.3); short protein forms N1098S.
Identifiers: ClinVar variation 1642497 (VCV001642497.14), dbSNP rs200818881, ClinGen allele CA2593976.
Genomic context (GRCh38, chr3:127,017,441, plus strand): 5'-CACTCGCGGAGGTCCCGCCCAGCATCCCCACCCTGTGTCTCCAGGGCTGCCTGGTGTACA[A>G]TGACACCACCATGGTATGCCGCGCCCCGTCTGTGGCCAACCCTGTGCGCAGCCCACCAGA-3'
Protein context (NP_115618.3, residues 1088-1108): IERENGCLVY[Asn1098Ser]DTTMVCRAPS